The following is an entry in ClinVar:

NM_138395.4(MARS2):c.26T>A (p.Leu9Gln)

Gene: MARS2 (methionyl-tRNA synthetase 2, mitochondrial; plus strand). Cytogenetic location: 2q33.1.
Variant type: single nucleotide variant.
Coding change: c.26T>A on transcript NM_138395.4 (MANE Select); coding-DNA position 26, T replaced by A.
Protein change: p.Leu9Gln; replaces leucine 9 with glutamine.
Molecular consequence: missense variant.
Genome position (GRCh38, 1-based): chr2:197,705,431, T>A. VCF-style: chr2-197705431-T-A. GRCh37 (hg19) VCF-style: chr2-198570155-T-A.
Other names: short protein forms L9Q.
Identifiers: ClinVar variation 1960872 (VCV001960872.5), dbSNP rs950886156, ClinGen allele CA62878333.

ClinVar aggregate classification (germline): Uncertain significance (1 of 4 stars; one submission).

Allele frequency attached by ClinVar (database versions not stated): gnomAD 0.00003; TOPMed 0.00004; gnomAD exomes 0.00001.

Submission:

Labcorp Genetics (formerly Invitae), Labcorp
Classification: Uncertain significance. Last evaluated: 2025-02-24. Review status: criteria provided, single submitter. Criteria: Invitae Variant Classification Sherloc (09022015). Collection method: clinical testing. Allele origin: germline.
Comment: This sequence change replaces leucine, which is neutral and non-polar, with glutamine, which is neutral and polar, at codon 9 of the MARS2 protein (p.Leu9Gln). This variant is present in population databases (no rsID available, gnomAD 0.007%). This variant has not been reported in the literature in individuals affected with MARS2-related conditions. ClinVar contains an entry for this variant (Variation ID: 1960872). An algorithm developed to predict the effect of missense changes on protein structure and function (PolyPhen-2) suggests that this variant is likely to be tolerated. In summary, the available evidence is currently insufficient to determine the role of this variant in disease. Therefore, it has been classified as a Variant of Uncertain Significance.